The following is an entry in ClinVar:

NM_013372.7(GREM1):c.340A>G (p.Ile114Val)

Gene: GREM1 (gremlin 1, DAN family BMP antagonist; plus strand). Cytogenetic location: 15q13.3.
Variant type: single nucleotide variant.
Coding change: c.340A>G on transcript NM_013372.7 (MANE Select); coding-DNA position 340, A replaced by G.
Protein change: p.Ile114Val; replaces isoleucine 114 with valine.
Molecular consequence: missense variant.
Genome position (GRCh38, 1-based): chr15:32,731,030, A>G. VCF-style: chr15-32731030-A-G. GRCh37 (hg19) VCF-style: chr15-33023231-A-G.
Other names: c.130A>G, p.Ile44Val (NM_001191322.2); c.217A>G, p.Ile73Val (NM_001191323.2); c.340A>G, p.Ile114Val (NM_001368719.1); short protein forms I114V, I73V, I44V.
Identifiers: ClinVar variation 2480000 (VCV002480000.2), dbSNP rs1027553263, ClinGen allele CA268513424.
Genomic context (GRCh38, chr15:32,731,030, plus strand): 5'-TGCAAAACCCAGCCGCTTAAGCAGACCATCCACGAGGAAGGCTGCAACAGTCGCACCATC[A>G]TCAACCGCTTCTGTTACGGCCAGTGCAACTCTTTCTACATCCCCAGGCACATCCGGAAGG-3'
Protein context (NP_037504.1, residues 104-124): HEEGCNSRTI[Ile114Val]NRFCYGQCNS

ClinVar aggregate classification (germline): Uncertain significance (1 of 4 stars; one submission).

Conditions:
Hereditary cancer-predisposing syndrome. Also called: Neoplastic Syndromes, Hereditary; Hereditary neoplastic syndrome; Tumor predisposition; Hereditary Cancer Syndrome. Identifiers: Orphanet 140162, MedGen C0027672, MeSH D009386, MONDO:0015356.

Allele frequency attached by ClinVar (database versions not stated): gnomAD exomes below 0.00001; gnomAD 0.00001.
gnomAD v4.1: 5 of 1,614,090 alleles (0.00031%); highest among the groups gnomAD compares: Admixed American, 0.0033%; no homozygotes.

Submission:

Ambry Genetics
Classification: Uncertain significance for Hereditary cancer-predisposing syndrome. Last evaluated: 2023-02-23. Review status: criteria provided, single submitter. Criteria: Ambry Variant Classification Scheme 2023. Collection method: clinical testing. Allele origin: germline.
Comment: The p.I114V variant (also known as c.340A>G), located in coding exon 1 of the GREM1 gene, results from an A to G substitution at nucleotide position 340. The isoleucine at codon 114 is replaced by valine, an amino acid with highly similar properties. This amino acid position is conserved. In addition, this alteration is predicted to be tolerated by in silico analysis. Since supporting evidence is limited at this time, the clinical significance of this alteration remains unclear.